The following is an entry in ClinVar:

ClinVar aggregate classification (germline): Uncertain significance. Review status: criteria provided, multiple submitters, no conflicts (2 of 4 stars). 2 submissions from 2 submitters: Uncertain significance (2). Last evaluated 2025-10-23.

gnomAD v4.1: 14 of 1,613,968 alleles (0.00087%); highest among the groups gnomAD compares: African/African-American, 0.0013%; no homozygotes.

Submissions (2):

Dasa
Classification: Uncertain significance. Last evaluated: 2025-10-23. Review status: criteria provided, single submitter. Criteria: DASA Assertion Criteria. Collection method: clinical testing. Allele origin: germline.
Comment: NM_002472.3(MYH8):c.5420C>T (p.Ala1807Val) is a missense variant that results in the substitution of alanine with valine. This variant is rare in population databases. Computational prediction algorithms are consistent with a deleterious effect. The currently available literature and clinical evidence are not sufficient to establish a definitive association between this variant and the reported condition. Therefore, this variant is classified as a variant of uncertain significance.

Ambry Genetics
Classification: Uncertain significance. Last evaluated: 2024-07-30. Review status: criteria provided, single submitter. Criteria: Ambry Variant Classification Scheme 2023. Collection method: clinical testing. Allele origin: germline.

NM_002472.3(MYH8):c.5420C>T (p.Ala1807Val)

Genes: MYH8 (myosin heavy chain 8; minus strand), MYHAS (myosin heavy chain gene cluster antisense RNA; plus strand), LOC126862493 (BRD4-independent group 4 enhancer GRCh37_chr17:10295275-10296474; plus strand). Cytogenetic location: 17p13.1.
Variant type: single nucleotide variant.
Coding change: c.5420C>T on transcript NM_002472.3 (MANE Select); coding-DNA position 5420, C replaced by T.
Protein change: p.Ala1807Val; replaces alanine 1807 with valine.
Molecular consequence: missense variant.
Genome position (GRCh38, 1-based): chr17:10,392,874, G>A on the plus strand (C>T on the coding strand, the complement: MYH8 is on the minus strand). VCF-style: chr17-10392874-G-A. GRCh37 (hg19) VCF-style: chr17-10296191-G-A.
Other names: short protein forms A1807V.
Identifiers: ClinVar variation 3401001 (VCV003401001.3).
Genomic context (GRCh38, chr17:10,392,874, plus strand): 5'-GAGATTGAGACACCCACCCTGGCCTCCAGTTTCTGGATCTGCTTCTTCCCACCCTTCAGC[G>A]CCAGCTGCTCGGCCTCATCTAGACGATGCTGCAGGTCCTTCACCGTCTGCTCCAGGTTCT-3'
Protein context (NP_002463.2, residues 1797-1817): QHRLDEAEQL[Ala1807Val]LKGGKKQIQK